The following is an entry in ClinVar:

NM_003238.6(TGFB2):c.542C>T (p.Thr181Ile)

Gene: TGFB2 (transforming growth factor beta 2; plus strand). Cytogenetic location: 1q41.
Variant type: single nucleotide variant.
Coding change: c.542C>T on transcript NM_003238.6 (MANE Select); coding-DNA position 542, C replaced by T.
Protein change: p.Thr181Ile; replaces threonine 181 with isoleucine.
Molecular consequence: missense variant. On other transcripts: non-coding transcript variant (2).
Genome position (GRCh38, 1-based): chr1:218,434,113, C>T. VCF-style: chr1-218434113-C-T. GRCh37 (hg19) VCF-style: chr1-218607455-C-T.
Other names: c.626C>T, p.Thr209Ile (NM_001135599.4); short protein forms T209I, T181I.
Identifiers: ClinVar variation 2986501 (VCV002986501.4), dbSNP rs772616801, ClinGen allele CA1398539.

ClinVar aggregate classification (germline): Uncertain significance. Review status: criteria provided, multiple submitters, no conflicts (2 of 4 stars). 2 submissions from 2 submitters: Uncertain significance (2). Last evaluated 2023-08-01.

Conditions:
Loeys-Dietz syndrome 4 (LDS4). Also called: ANEURYSM, AORTIC AND CEREBRAL, WITH ARTERIAL TORTUOSITY AND SKELETAL MANIFESTATIONS; TGFB2-Related Loeys-Dietz Syndrome. Identifiers: MedGen C3553762, MONDO:0013897, OMIM 614816.

Allele frequency attached by ClinVar (database versions not stated): TOPMed below 0.00001; gnomAD 0.00001; ExAC 0.00002.

Submissions (2):

Labcorp Genetics (formerly Invitae), Labcorp
Classification: Uncertain significance for Loeys-Dietz syndrome 4. Last evaluated: 2023-08-01. Review status: criteria provided, single submitter. Criteria: Invitae Variant Classification Sherloc (09022015). Collection method: clinical testing. Allele origin: germline.
Comment: This variant is present in population databases (rs772616801, gnomAD 0.004%). This sequence change replaces threonine, which is neutral and polar, with isoleucine, which is neutral and non-polar, at codon 181 of the TGFB2 protein (p.Thr181Ile). In summary, the available evidence is currently insufficient to determine the role of this variant in disease. Therefore, it has been classified as a Variant of Uncertain Significance. Advanced modeling of protein sequence and biophysical properties (such as structural, functional, and spatial information, amino acid conservation, physicochemical variation, residue mobility, and thermodynamic stability) performed at Invitae indicates that this missense variant is not expected to disrupt TGFB2 protein function. This variant has not been reported in the literature in individuals affected with TGFB2-related conditions.

Blueprint Genetics
Classification: Uncertain significance. Last evaluated: 2018-02-05. Review status: criteria provided, single submitter. Criteria: ACMG Guidelines, 2015. Collection method: clinical testing. Allele origin: germline.